The following is an entry in ClinVar:

NM_000138.5(FBN1):c.7258A>C (p.Asn2420His)

Gene: FBN1 (fibrillin 1; minus strand). Cytogenetic location: 15q21.1.
Variant type: single nucleotide variant.
Coding change: c.7258A>C on transcript NM_000138.5 (MANE Select); coding-DNA position 7258, A replaced by C.
Protein change: p.Asn2420His; replaces asparagine 2420 with histidine.
Molecular consequence: missense variant.
Genome position (GRCh38, 1-based): chr15:48,425,811, T>G on the plus strand (A>C on the coding strand, the complement: FBN1 is on the minus strand). VCF-style: chr15-48425811-T-G. GRCh37 (hg19) VCF-style: chr15-48718008-T-G.
Other names: c.7258A>C, p.Asn2420His (NM_001406716.1); short protein forms N2420H.
Identifiers: ClinVar variation 2137675 (VCV002137675.6), dbSNP rs2505408149, ClinGen allele CA392328740.

ClinVar aggregate classification (germline): Uncertain significance. Review status: criteria provided, multiple submitters, no conflicts (2 of 4 stars). 2 submissions from 2 submitters: Uncertain significance (2). Last evaluated 2024-03-25.

Conditions:
Familial thoracic aortic aneurysm and aortic dissection (TAAD). Also called: Thoracic aortic aneurysms and dissections. Identifiers: Orphanet 91387, MedGen C4707243, MONDO:0019625.
Marfan syndrome (MFS). Also called: MARFAN SYNDROME, TYPE I; Marfan syndrome type 1; Marfan's syndrome; Marfan syndrome, classic; FBN1-Related Marfan Syndrome. Identifiers: Orphanet 284963, Orphanet 558, MedGen C0024796, MONDO:0007947, OMIM 154700.

Submissions (2):

Genomic Medicine Center of Excellence, King Faisal Specialist Hospital and Research Centre
Classification: Uncertain significance for Marfan syndrome. Last evaluated: 2024-03-25. Review status: criteria provided, single submitter. Criteria: ACMG Guidelines, 2015. Collection method: research. Allele origin: germline.

Labcorp Genetics (formerly Invitae), Labcorp
Classification: Uncertain significance for Marfan syndrome; Familial thoracic aortic aneurysm and aortic dissection. Last evaluated: 2022-07-26. Review status: criteria provided, single submitter. Criteria: Invitae Variant Classification Sherloc (09022015). Collection method: clinical testing. Allele origin: germline.
Comment: This sequence change replaces asparagine, which is neutral and polar, with histidine, which is basic and polar, at codon 2420 of the FBN1 protein (p.Asn2420His). This variant is not present in population databases (gnomAD no frequency). This missense change has been observed in individual(s) with FBN1-related conditions (PMID: 24698609). Advanced modeling of protein sequence and biophysical properties (such as structural, functional, and spatial information, amino acid conservation, physicochemical variation, residue mobility, and thermodynamic stability) performed at Invitae indicates that this missense variant is expected to disrupt FBN1 protein function. In summary, the available evidence is currently insufficient to determine the role of this variant in disease. Therefore, it has been classified as a Variant of Uncertain Significance.

Literature cited by the submitters: PubMed 24698609 (cited by Labcorp Genetics (formerly Invitae), Labcorp).